The following is an entry in ClinVar:

NM_000051.4(ATM):c.8269-16T>C

Genes: ATM (ATM serine/threonine kinase; plus strand), C11orf65 (chromosome 11 open reading frame 65; minus strand). Cytogenetic location: 11q22.3.
Variant type: single nucleotide variant.
Coding change: c.8269-16T>C on transcript NM_000051.4 (MANE Select); 16 bases into the intron before coding-DNA position 8269, T replaced by C.
Molecular consequence: intron variant.
Genome position (GRCh38, 1-based): chr11:108,343,206, T>C. VCF-style: chr11-108343206-T-C. GRCh37 (hg19) VCF-style: chr11-108213933-T-C.
Other names: c.8269-16T>C (NM_001351834.2); c.641-34135A>G (NM_001330368.2); c.695-7914A>G (NM_001351110.2).
Identifiers: ClinVar variation 918771 (VCV000918771.11), dbSNP rs375051442, ClinGen allele CA6266338.
Genomic context (GRCh38, chr11:108,343,206, plus strand): 5'-CTCTGATAGCTGAATGATCATCAAATGCTCTTTAATGGCCTTTTAAAATTAAAAGGTATT[T>C]AATCTGTAACTCCAGGTGGTTCCCCTCTCTCAGCGAAGTGGTGTTCTTGAATGGTGCACA-3'

ClinVar aggregate classification (germline): Likely benign. Review status: criteria provided, multiple submitters, no conflicts (2 of 4 stars). 3 submissions from 3 submitters: Likely benign (3). Last evaluated 2025-12-28.

Conditions:
Hereditary cancer-predisposing syndrome. Also called: Tumor predisposition; Neoplastic Syndromes, Hereditary; Hereditary neoplastic syndrome; Hereditary Cancer Syndrome. Identifiers: Orphanet 140162, MedGen C0027672, MeSH D009386, MONDO:0015356.
Ataxia-telangiectasia syndrome (AT). Also called: Ataxia-telangiectasia, complementation group D; AT, COMPLEMENTATION GROUP C; ATAXIA-TELANGIECTASIA, COMPLEMENTATION GROUP A; ATAXIA-TELANGIECTASIA, FRESNO VARIANT; Ataxia-telangiectasia; Ataxia telangiectasia (A-T). Identifiers: Orphanet 100, MedGen C0004135, MONDO:0008840, OMIM 208900.
Familial cancer of breast. Also called: Hereditary breast cancer; hereditary breast carcinoma; BREAST CANCER, FAMILIAL. Identifiers: Orphanet 227535, MedGen C0346153, MONDO:0016419, OMIM 114480. Disease mechanism: loss of function.

Allele frequency attached by ClinVar (database versions not stated): TOPMed below 0.00001; gnomAD 0.00001; gnomAD exomes 0.00002; ESP Exome Variant Server 0.00008; ExAC 0.00002.
gnomAD v4.1: 28 of 1,613,790 alleles (0.0017%); highest among the groups gnomAD compares: African/African-American, 0.0027%; no homozygotes.

Submissions (3):

Labcorp Genetics (formerly Invitae), Labcorp
Classification: Likely benign for Ataxia-telangiectasia syndrome. Last evaluated: 2025-12-28. Review status: criteria provided, single submitter. Criteria: Invitae Variant Classification Sherloc (09022015). Collection method: clinical testing. Allele origin: germline.

Myriad Genetics, Inc.
Classification: Likely benign for Familial cancer of breast. Last evaluated: 2024-06-19. Review status: criteria provided, single submitter. Criteria: Myriad Autosomal Dominant, Autosomal Recessive and X-Linked Classification Criteria (2023). Collection method: clinical testing. Allele origin: unknown.
Comment: This variant is considered likely benign. This variant is intronic and is not expected to impact mRNA splicing.

Color Diagnostics, LLC DBA Color Health
Classification: Likely benign for Hereditary cancer-predisposing syndrome. Last evaluated: 2018-05-10. Review status: criteria provided, single submitter. Criteria: ACMG Guidelines, 2015. Collection method: clinical testing. Allele origin: germline.